The following is an entry in ClinVar:

NM_003198.3(ELOA):c.1861G>A (p.Glu621Lys)

Gene: ELOA (elongin A; plus strand). Cytogenetic location: 1p36.11.
Variant type: single nucleotide variant.
Coding change: c.1861G>A on transcript NM_003198.3 (MANE Select); coding-DNA position 1861, G replaced by A.
Protein change: p.Glu621Lys; replaces glutamic acid 621 with lysine.
Molecular consequence: missense variant.
Genome position (GRCh38, 1-based): chr1:23,755,912, G>A. VCF-style: chr1-23755912-G-A. GRCh37 (hg19) VCF-style: chr1-24082402-G-A.
Other names: short protein forms E621K.
Identifiers: ClinVar variation 3387930 (VCV003387930.14).
Genomic context (GRCh38, chr1:23,755,912, plus strand): 5'-GAAGAAACAGATCAATTATGGAAAGTTCATTGTCACCGAGACTTTAAGGAAGAAAGACCC[G>A]AAGAGTATGAGTCGTGGCGAGAGATGTACCTGCGGCTTCAGGACGCCCGAGAGCAGCGGC-3'
Protein context (NP_003189.3, residues 611-631): CHRDFKEERP[Glu621Lys]EYESWREMYL

ClinVar aggregate classification (germline): Likely benign (1 of 4 stars; one submission).

gnomAD v4.1: 6,532 of 1,613,880 alleles (0.4%); highest among the groups gnomAD compares: Non-Finnish European, 0.51%; 23 homozygotes.

Submission:

CeGaT Center for Human Genetics Tuebingen
Classification: Likely benign. Last evaluated: 2024-10-01. Review status: criteria provided, single submitter. Criteria: CeGaT Center For Human Genetics Tuebingen Variant Classification Criteria Version 2. Collection method: clinical testing. Allele origin: germline. Affected: yes. Observed: 1 variant allele.
Comment: ELOA: BP4, BS2